The following is an entry in ClinVar:

ClinVar aggregate classification (germline): Likely benign. Review status: criteria provided, multiple submitters, no conflicts (2 of 4 stars). 2 submissions from 2 submitters: Likely benign (2). Last evaluated 2025-10-01.

Conditions:
Hypertrophic cardiomyopathy 10. Also called: CARDIOMYOPATHY, HYPERTROPHIC, MID-LEFT VENTRICULAR CHAMBER TYPE, 2; MYL2-Related Familial Hypertrophic Cardiomyopathy. Identifiers: MedGen C1834460, MONDO:0012112, OMIM 608758.

Allele frequency attached by ClinVar (database versions not stated): gnomAD exomes 0.00001; TOPMed 0.00001.
gnomAD v4.1: 5 of 1,614,076 alleles (0.00031%); highest among the groups gnomAD compares: Non-Finnish European, 0.00042%; no homozygotes.

Submissions (2):

Labcorp Genetics (formerly Invitae), Labcorp
Classification: Likely benign for Hypertrophic cardiomyopathy 10. Last evaluated: 2025-10-01. Review status: criteria provided, single submitter. Criteria: Invitae Variant Classification Sherloc (09022015). Collection method: clinical testing. Allele origin: germline.

GeneDx
Classification: Likely benign. Last evaluated: 2017-04-27. Review status: criteria provided, single submitter. Criteria: GeneDx Variant Classification (06012015). Collection method: clinical testing. Allele origin: germline. Affected: yes.
Comment: This variant is considered likely benign or benign based on one or more of the following criteria: it is a conservative change, it occurs at a poorly conserved position in the protein, it is predicted to be benign by multiple in silico algorithms, and/or has population frequency not consistent with disease.

NM_000432.4(MYL2):c.402+17A>G

Gene: MYL2 (myosin light chain 2; minus strand). Cytogenetic location: 12q24.11.
Variant type: single nucleotide variant.
Coding change: c.402+17A>G on transcript NM_000432.4 (MANE Select); 17 bases into the intron after coding-DNA position 402, A replaced by G.
Molecular consequence: intron variant.
Genome position (GRCh38, 1-based): chr12:110,913,079, T>C on the plus strand (A>G on the coding strand, the complement: MYL2 is on the minus strand). VCF-style: chr12-110913079-T-C. GRCh37 (hg19) VCF-style: chr12-111350883-T-C.
Identifiers: ClinVar variation 506760 (VCV000506760.7), dbSNP rs1555257745, ClinGen allele CA658797956.